The following is an entry in ClinVar:

ClinVar aggregate classification (germline): Uncertain significance (1 of 4 stars; one submission).

Submission:

Labcorp Genetics (formerly Invitae), Labcorp
Classification: Uncertain significance. Last evaluated: 2024-01-22. Review status: criteria provided, single submitter. Criteria: Invitae Variant Classification Sherloc (09022015). Collection method: clinical testing. Allele origin: germline.
Comment: A copy number gain of the genomic region encompassing the full coding sequence of the WDR73 gene has been identified. The boundaries of this event are unknown as they extend beyond the assayed region for this gene and therefore may encompass additional genes. As the precise location of this event is unknown, it may be in tandem or it may be located elsewhere in the genome. This variant has not been reported in the literature in individuals affected with WDR73-related conditions. In summary, the available evidence is currently insufficient to determine the role of this variant in disease. Therefore, it has been classified as a Variant of Uncertain Significance.

NC_000015.9:g.(?_85186701)_(85197505_?)dup

Gene: WDR73 (WD repeat domain 73; minus strand). Cytogenetic location: 15q25.2.
Variant type: Duplication.
Identifiers: ClinVar variation 2427077 (VCV002427077.4).